The following is an entry in ClinVar:

NM_006206.6(PDGFRA):c.1202C>T (p.Ala401Val)

Gene: PDGFRA (platelet derived growth factor receptor alpha; plus strand). Cytogenetic location: 4q12.
Variant type: single nucleotide variant.
Coding change: c.1202C>T on transcript NM_006206.6 (MANE Select); coding-DNA position 1202, C replaced by T.
Protein change: p.Ala401Val; replaces alanine 401 with valine.
Molecular consequence: missense variant.
Genome position (GRCh38, 1-based): chr4:54,270,713, C>T. VCF-style: chr4-54270713-C-T. GRCh37 (hg19) VCF-style: chr4-55136880-C-T.
Other names: c.1202C>T, p.Ala401Val (NM_001347827.2, NM_001347829.2); c.1277C>T, p.Ala426Val (NM_001347828.2); c.1241C>T, p.Ala414Val (NM_001347830.2); short protein forms A414V, A401V, A426V.
Identifiers: ClinVar variation 1494747 (VCV001494747.8), dbSNP rs397514549, ClinGen allele CA96854513.

ClinVar aggregate classification (germline): Uncertain significance. Review status: criteria provided, multiple submitters, no conflicts (2 of 4 stars). 2 submissions from 2 submitters: Uncertain significance (2). Last evaluated 2024-06-07.

Conditions:
Hereditary cancer-predisposing syndrome. Also called: Hereditary neoplastic syndrome; Tumor predisposition; Hereditary Cancer Syndrome; Neoplastic Syndromes, Hereditary. Identifiers: Orphanet 140162, MedGen C0027672, MeSH D009386, MONDO:0015356.
Gastrointestinal stromal tumor. Also called: Gastrointestinal stroma tumor; Gastrointestinal stromal tumor, somatic. Identifiers: Orphanet 44890, MedGen C0238198, MeSH D046152, MONDO:0011719, OMIM 606764, HP:0100723.

Submissions (2):

Ambry Genetics
Classification: Uncertain significance for Hereditary cancer-predisposing syndrome. Last evaluated: 2024-06-07. Review status: criteria provided, single submitter. Criteria: Ambry Variant Classification Scheme 2023. Collection method: clinical testing. Allele origin: germline.
Comment: The p.A401V variant (also known as c.1202C>T), located in coding exon 7 of the PDGFRA gene, results from a C to T substitution at nucleotide position 1202. The alanine at codon 401 is replaced by valine, an amino acid with similar properties. This amino acid position is conserved. In addition, this alteration is predicted to be tolerated by in silico analysis. Since supporting evidence is limited at this time, the clinical significance of this alteration remains unclear.

Labcorp Genetics (formerly Invitae), Labcorp
Classification: Uncertain significance for Gastrointestinal stromal tumor. Last evaluated: 2024-04-05. Review status: criteria provided, single submitter. Criteria: Invitae Variant Classification Sherloc (09022015). Collection method: clinical testing. Allele origin: germline.
Comment: This sequence change replaces alanine, which is neutral and non-polar, with valine, which is neutral and non-polar, at codon 401 of the PDGFRA protein (p.Ala401Val). This variant is not present in population databases (gnomAD no frequency). This variant has not been reported in the literature in individuals affected with PDGFRA-related conditions. ClinVar contains an entry for this variant (Variation ID: 1494747). Advanced modeling of protein sequence and biophysical properties (such as structural, functional, and spatial information, amino acid conservation, physicochemical variation, residue mobility, and thermodynamic stability) performed at Invitae indicates that this missense variant is not expected to disrupt PDGFRA protein function with a negative predictive value of 80%. In summary, the available evidence is currently insufficient to determine the role of this variant in disease. Therefore, it has been classified as a Variant of Uncertain Significance.